The following is an entry in ClinVar:

ClinVar aggregate classification (germline): Uncertain significance. Review status: criteria provided, multiple submitters, no conflicts (2 of 4 stars). 2 submissions from 2 submitters: Uncertain significance (2). Last evaluated 2025-02-16.

Conditions:
Parathyroid carcinoma (PRTC). Also called: Parathyroid gland carcinoma; CDC73-Related Parathyroid Carcinoma. Identifiers: Orphanet 143, MedGen C0687150, MONDO:0012004, OMIM 608266, HP:0006780.
Hyperparathyroidism 1 (HRPT1). Also called: HYPERPARATHYROIDISM, FAMILIAL ISOLATED PRIMARY. Identifiers: Orphanet 99879, MedGen C1840402, MONDO:0007767, OMIM 145000.

gnomAD v4.1: 1 of 1,613,814 alleles (0.000062%); highest among the groups gnomAD compares: South Asian, 0.0011%; no homozygotes.

Submissions (2):

Labcorp Genetics (formerly Invitae), Labcorp
Classification: Uncertain significance for Parathyroid carcinoma. Last evaluated: 2025-02-16. Review status: criteria provided, single submitter. Criteria: Invitae Variant Classification Sherloc (09022015). Collection method: clinical testing. Allele origin: germline.
Comment: This sequence change replaces proline, which is neutral and non-polar, with serine, which is neutral and polar, at codon 335 of the CDC73 protein (p.Pro335Ser). This variant is not present in population databases (gnomAD no frequency). This variant has not been reported in the literature in individuals affected with CDC73-related conditions. ClinVar contains an entry for this variant (Variation ID: 965501). Invitae Evidence Modeling of protein sequence and biophysical properties (such as structural, functional, and spatial information, amino acid conservation, physicochemical variation, residue mobility, and thermodynamic stability) indicates that this missense variant is not expected to disrupt CDC73 protein function with a negative predictive value of 80%. In summary, the available evidence is currently insufficient to determine the role of this variant in disease. Therefore, it has been classified as a Variant of Uncertain Significance.

Baylor Genetics
Classification: Uncertain significance for Hyperparathyroidism 1. Last evaluated: 2023-08-24. Review status: criteria provided, single submitter. Criteria: ACMG Guidelines, 2015. Collection method: clinical testing. Allele origin: unknown.

NM_024529.5(CDC73):c.1003C>T (p.Pro335Ser)

Gene: CDC73 (cell division cycle 73; plus strand). Cytogenetic location: 1q31.2.
Variant type: single nucleotide variant.
Coding change: c.1003C>T on transcript NM_024529.5 (MANE Select); coding-DNA position 1003, C replaced by T.
Protein change: p.Pro335Ser; replaces proline 335 with serine.
Molecular consequence: missense variant.
Genome position (GRCh38, 1-based): chr1:193,203,825, C>T. VCF-style: chr1-193203825-C-T. GRCh37 (hg19) VCF-style: chr1-193172955-C-T.
Other names: short protein forms P335S.
Identifiers: ClinVar variation 965501 (VCV000965501.11), dbSNP rs779180488, ClinGen allele CA344076140.
Genomic context (GRCh38, chr1:193,203,825, plus strand): 5'-TCTTATATATCAATTCTTATTCTTTTAAAGGAGGGTGCATCTGCCCGGAAGACTCAGACT[C>T]CTGCAGCCCAGCCAGTACCAAGACCAGGTAGAAATATAGAACTTTGCTTTTTGTTTTCTT-3'
Protein context (NP_078805.3, residues 325-345): EGASARKTQT[Pro335Ser]AAQPVPRPVS